The following is an entry in ClinVar:

ClinVar aggregate classification (germline): Pathogenic (1 of 4 stars; one submission).

Conditions:
Familial cancer of breast. Also called: BREAST CANCER, FAMILIAL; hereditary breast carcinoma; Hereditary breast cancer. Identifiers: Orphanet 227535, MedGen C0346153, MONDO:0016419, OMIM 114480. Disease mechanism: loss of function.
Fanconi anemia complementation group J. Also called: BRIP1-Related Fanconi Anemia. Identifiers: Orphanet 84, MedGen C1836860, MONDO:0012187, OMIM 609054.

Submission:

Labcorp Genetics (formerly Invitae), Labcorp
Classification: Pathogenic for Familial cancer of breast; Fanconi anemia complementation group J. Last evaluated: 2023-10-26. Review status: criteria provided, single submitter. Criteria: Invitae Variant Classification Sherloc (09022015). Collection method: clinical testing. Allele origin: unknown.
Comment: This variant results in the deletion of exons 1-10 and part of exon 11 (c.-46614_1542del) of the BRIP1 gene. It is expected to result in an absent or disrupted protein product. Loss-of-function variants in BRIP1 are known to be pathogenic (PMID: 16116423, 17033622, 21964575). This variant has not been reported in the literature in individuals affected with BRIP1-related conditions. For these reasons, this variant has been classified as Pathogenic.

Literature cited by the submitters: PubMed 16116423; PubMed 17033622; PubMed 21964575.

NC_000017.10:g.(?_59861717)_(59987228_?)del

Genes: BRIP1 (BRCA1 interacting DNA helicase 1; minus strand), INTS2 (integrator complex subunit 2; minus strand). Cytogenetic location: 17q23.2.
Variant type: Deletion.
Identifiers: ClinVar variation 3242968 (VCV003242968.1).